The following is an entry in ClinVar:

NM_018136.5(ASPM):c.3698T>C (p.Met1233Thr)

Gene: ASPM (assembly factor for spindle microtubules; minus strand). Cytogenetic location: 1q31.3.
Variant type: single nucleotide variant.
Coding change: c.3698T>C on transcript NM_018136.5 (MANE Select); coding-DNA position 3698, T replaced by C.
Protein change: p.Met1233Thr; replaces methionine 1233 with threonine.
Molecular consequence: missense variant.
Genome position (GRCh38, 1-based): chr1:197,122,202, A>G on the plus strand (T>C on the coding strand, the complement: ASPM is on the minus strand). VCF-style: chr1-197122202-A-G. GRCh37 (hg19) VCF-style: chr1-197091332-A-G.
Other names: c.3698T>C, p.Met1233Thr (NM_001206846.2); short protein forms M1233T.
Identifiers: ClinVar variation 157806 (VCV000157806.15), dbSNP rs181039922, ClinGen allele CA240578.

ClinVar aggregate classification (germline): Uncertain significance. Review status: criteria provided, multiple submitters, no conflicts (2 of 4 stars). 5 submissions from 5 submitters: Uncertain significance (5). Last evaluated 2024-11-11.

Conditions:
Microcephaly 5, primary, autosomal recessive (MCPH5). Also called: ASPM Primary Microcephaly. Identifiers: Orphanet 2512, MedGen C1837501, MONDO:0012106, OMIM 608716.

Allele frequency attached by ClinVar (database versions not stated): TOPMed 0.00015; 1000 Genomes Project 30x 0.00016; ExAC 0.00018; gnomAD exomes 0.00018 and 0.00008; 1000 Genomes Project 0.00020; gnomAD 0.00003 and 0.00004.

Submissions (5):

Labcorp Genetics (formerly Invitae), Labcorp
Classification: Uncertain significance. Last evaluated: 2024-11-11. Review status: criteria provided, single submitter. Criteria: Invitae Variant Classification Sherloc (09022015). Collection method: clinical testing. Allele origin: germline.
Comment: This sequence change replaces methionine, which is neutral and non-polar, with threonine, which is neutral and polar, at codon 1233 of the ASPM protein (p.Met1233Thr). This variant is present in population databases (rs181039922, gnomAD 0.1%). This missense change has been observed in individual(s) with clinical features of primary microcephaly (PMID: 23611254). ClinVar contains an entry for this variant (Variation ID: 157806). Invitae Evidence Modeling of protein sequence and biophysical properties (such as structural, functional, and spatial information, amino acid conservation, physicochemical variation, residue mobility, and thermodynamic stability) has been performed for this missense variant. However, the output from this modeling did not meet the statistical confidence thresholds required to predict the impact of this variant on ASPM protein function. In summary, the available evidence is currently insufficient to determine the role of this variant in disease. Therefore, it has been classified as a Variant of Uncertain Significance.

Genome-Nilou Lab
Classification: Uncertain significance for Microcephaly 5, primary, autosomal recessive. Last evaluated: 2023-04-11. Review status: criteria provided, single submitter. Criteria: ACMG Guidelines, 2015. Collection method: clinical testing. Allele origin: germline. Affected: no.

GeneDx
Classification: Uncertain significance. Last evaluated: 2016-07-05. Review status: criteria provided, single submitter. Criteria: GeneDx Variant Classification (06012015). Collection method: clinical testing. Allele origin: germline. Affected: yes.
Comment: A variant of uncertain significance has been identified in the ASPM gene. The M1233T variant has not been published as a pathogenic variant, nor has it been reported as a benign variant to our knowledge. It was not observed in approximately 6,500 individuals of European and African American ancestry in the NHLBI Exome Sequencing Project, indicating it is not a common benign variant in these populations and it was not observed with any significant frequency in the 1000 Genomes Project. The M1233T variant is a non-conservative amino acid substitution, which is likely to impact secondary protein structure as these residues differ in polarity, charge, size and/or other properties. This substitution occurs at a position that is conserved across species and in silico analysis predicts this variant is probably damaging to the protein structure/function. However, missense variants in nearby residues have not been reported in the Human Gene Mutation Database in association with ASPM-related disorder (Stenson et al., 2014). Therefore, based on the currently available information, it is unclear whether this variant is a pathogenic variant or a rare benign variant.

Eurofins Ntd Llc (ga)
Classification: Uncertain significance. Last evaluated: 2014-08-28. Review status: criteria provided, single submitter. Criteria: EGL Classification Definitions 2015. Collection method: clinical testing. Allele origin: germline. Observed: 1 variant allele, 1 heterozygote.

Genetic Services Laboratory, University of Chicago
Classification: Uncertain significance for Microcephaly 5, primary, autosomal recessive. Last evaluated: 2014-06-05. Review status: criteria provided, single submitter. Criteria: ACMG Guidelines, 2015. Collection method: clinical testing. Allele origin: germline. Inheritance: Autosomal recessive inheritance.

Literature cited by the submitters: PubMed 23611254 (cited by Labcorp Genetics (formerly Invitae), Labcorp).